The following is an entry in ClinVar:

NM_001114753.3(ENG):c.445dup (p.Trp149fs)

Gene: ENG (endoglin; minus strand). Cytogenetic location: 9q34.11.
Variant type: Duplication.
Coding change: c.445dup on transcript NM_001114753.3 (MANE Select); coding-DNA position 445, one base duplicated (T; older notation c.445dupT).
Protein change: p.Trp149fs; shifts the reading frame from tryptophan 149.
Molecular consequence: frameshift variant. On other transcripts: 5 prime UTR variant (1).
Genome position (GRCh38, 1-based): chr9:127,826,588, A duplicated on the plus strand (T on the coding strand, the reverse complement: ENG is on the minus strand). VCF-style (leftmost placement, unchanged base first): chr9-127826587-C-CA. GRCh37 (hg19) VCF-style: chr9-130588866-C-CA.
Other names: c.445dup, p.Trp149Leufs (NM_000118.4, NM_001406715.1); c.-102dup (NM_001278138.2); short protein forms W149fs.
Identifiers: ClinVar variation 1740763 (VCV001740763.2), dbSNP rs2539077878, ClinGen allele CA2580079701.

ClinVar aggregate classification (germline): Pathogenic (1 of 4 stars; one submission).

Conditions:
Cardiovascular phenotype. Identifiers: MedGen CN230736.

Submission:

Ambry Genetics
Classification: Pathogenic for Cardiovascular phenotype. Last evaluated: 2015-07-17. Review status: criteria provided, single submitter. Criteria: Ambry Variant Classification Scheme 2023. Collection method: clinical testing. Allele origin: germline.
Comment: The c.445dupT (also known as p.W149Lfs*4) pathogenic mutation, located in coding exon 4 of the ENG gene, results from a duplication of T at nucleotide position 445, causing a translational frameshift with a predicted alternate stop codon. Since frameshifts are typically deleterious in nature, this alteration is interpreted as a disease-causing mutation (ACMG Recommendations for Standards for Interpretation and Reporting of Sequence Variations. Revision 2007. Genet Med. 2008;10:294).